The following is an entry in ClinVar:

ClinVar aggregate classification (germline): Uncertain significance. Review status: criteria provided, multiple submitters, no conflicts (2 of 4 stars). 2 submissions from 2 submitters: Uncertain significance (2). Last evaluated 2025-02-02.

Conditions:
Inborn genetic diseases. Identifiers: MedGen C0950123, MeSH D030342.

Allele frequency attached by ClinVar (database versions not stated): gnomAD exomes below 0.00001.
gnomAD v4.1: 1 of 1,602,034 alleles (0.000062%); highest among the groups gnomAD compares: Non-Finnish European, 0.000085%; no homozygotes.

Submissions (2):

Ambry Genetics
Classification: Uncertain significance for Inborn genetic diseases. Last evaluated: 2025-02-02. Review status: criteria provided, single submitter. Criteria: Ambry Variant Classification Scheme 2023. Collection method: clinical testing. Allele origin: germline.
Comment: The p.E517K variant (also known as c.1549G>A) is located in coding exon 14 of the KDM1A gene. The glutamic acid at codon 517 is replaced by lysine, an amino acid with similar properties. This change occurs in the first base pair of coding exon 14. This amino acid position is conserved. In addition, the in silico prediction for this alteration is inconclusive. Based on the available evidence, the clinical significance of this variant remains unclear.

GeneDx
Classification: Uncertain significance. Last evaluated: 2020-01-13. Review status: criteria provided, single submitter. Criteria: GeneDx Variant Classification Process June 2021. Collection method: clinical testing. Allele origin: germline. Affected: yes.
Comment: Not observed in large population cohorts (Lek et al., 2016); Has not been previously published as pathogenic or benign to our knowledge; In silico analysis, which includes protein predictors and evolutionary conservation, supports a deleterious effect; In-silico analysis, which includes splice predictors and evolutionary conservation, is inconclusive as to whether the variant alters gene splicing. In the absence of RNA/functional studies, the actual effect of this sequence change is unknown

NM_001009999.3(KDM1A):c.1549G>A (p.Glu517Lys)

Gene: KDM1A (lysine demethylase 1A; plus strand). Cytogenetic location: 1p36.12.
Variant type: single nucleotide variant.
Coding change: c.1549G>A on transcript NM_001009999.3 (MANE Select); coding-DNA position 1549, G replaced by A.
Protein change: p.Glu517Lys; replaces glutamic acid 517 with lysine.
Molecular consequence: missense variant.
Genome position (GRCh38, 1-based): chr1:23,072,124, G>A. VCF-style: chr1-23072124-G-A. GRCh37 (hg19) VCF-style: chr1-23398617-G-A.
Other names: c.1477G>A, p.Glu493Lys (NM_001363654.2, NM_015013.4); short protein forms E493K, E517K.
Identifiers: ClinVar variation 1312012 (VCV001312012.3), dbSNP rs2124519532, ClinGen allele CA338968377.
Genomic context (GRCh38, chr1:23,072,124, plus strand): 5'-AAGAAACTAGGTGGATATCTGACCCTTCAGGGTAACTCAGGTTCACTTAATTTTTATCAG[G>A]AATATGATGAATTAGCTGAAACACAAGGAAAGCTAGAAGAAAAACTTCAGGAGTTGGAAG-3'
Protein context (NP_001009999.1, residues 507-527): KHRDLTALCK[Glu517Lys]YDELAETQGK